The following is an entry in ClinVar:

ClinVar aggregate classification (germline): Uncertain significance. Review status: criteria provided, multiple submitters, no conflicts (2 of 4 stars). 2 submissions from 2 submitters: Uncertain significance (2). Last evaluated 2026-01-22.

Conditions:
Primary ciliary dyskinesia 28. Also called: CILIARY DYSKINESIA, PRIMARY, 28, WITH OR WITHOUT SITUS INVERSUS. Identifiers: Orphanet 244, MedGen C3809706, MONDO:0014216, OMIM 615505.
Primary ciliary dyskinesia. Also called: Ciliary dyskinesia. Identifiers: Orphanet 244, MedGen C0008780, MONDO:0016575, HP:0012265.

Allele frequency attached by ClinVar (database versions not stated): ExAC 0.00003; gnomAD exomes 0.00004 and 0.00005; gnomAD 0.00037 and 0.00038; 1000 Genomes Project 0.00040; 1000 Genomes Project 30x 0.00047; TOPMed 0.00070.
gnomAD v4.1: 90 of 1,612,742 alleles (0.0056%); highest among the groups gnomAD compares: Admixed American, 0.11%; no homozygotes.

Submissions (2):

Labcorp Genetics (formerly Invitae), Labcorp
Classification: Uncertain significance for Primary ciliary dyskinesia 28. Last evaluated: 2026-01-22. Review status: criteria provided, single submitter. Criteria: Invitae Variant Classification Sherloc (09022015). Collection method: clinical testing. Allele origin: germline.
Comment: This sequence change replaces aspartic acid, which is acidic and polar, with glycine, which is neutral and non-polar, at codon 906 of the SPAG1 protein (p.Asp906Gly). This variant is present in population databases (rs199727770, gnomAD 0.02%). This variant has not been reported in the literature in individuals affected with SPAG1-related conditions. ClinVar contains an entry for this variant (Variation ID: 569851). Invitae Evidence Modeling of protein sequence and biophysical properties (such as structural, functional, and spatial information, amino acid conservation, physicochemical variation, residue mobility, and thermodynamic stability) indicates that this missense variant is not expected to disrupt SPAG1 protein function with a negative predictive value of 80%. In summary, the available evidence is currently insufficient to determine the role of this variant in disease. Therefore, it has been classified as a Variant of Uncertain Significance.

Ambry Genetics
Classification: Uncertain significance for Primary ciliary dyskinesia. Last evaluated: 2022-01-26. Review status: criteria provided, single submitter. Criteria: Ambry Variant Classification Scheme 2023. Collection method: clinical testing. Allele origin: germline.

NM_003114.5(SPAG1):c.2717A>G (p.Asp906Gly)

Gene: SPAG1 (sperm associated antigen 1; plus strand). Cytogenetic location: 8q22.2.
Variant type: single nucleotide variant.
Coding change: c.2717A>G on transcript NM_003114.5 (MANE Select); coding-DNA position 2717, A replaced by G.
Protein change: p.Asp906Gly; replaces aspartic acid 906 with glycine.
Molecular consequence: missense variant.
Genome position (GRCh38, 1-based): chr8:100,240,958, A>G. VCF-style: chr8-100240958-A-G. GRCh37 (hg19) VCF-style: chr8-101253186-A-G.
Other names: c.2717A>G, p.Asp906Gly (NM_001374321.1, NM_172218.3); short protein forms D906G.
Identifiers: ClinVar variation 569851 (VCV000569851.10), dbSNP rs199727770, ClinGen allele CA4827853.
Genomic context (GRCh38, chr8:100,240,958, plus strand): 5'-TGACACTAATTAGCAAGGGCCAAAAGGAGCTAATTGAACAGCTGTTTGAGGACCTTTCGG[A>G]CACACCAAACAACCATTTTACTTTAGAAGATATACAGGCCCTAAAAAGGCAGTATGAGCT-3'
Protein context (NP_003105.2, residues 896-916): LIEQLFEDLS[Asp906Gly]TPNNHFTLED